The following is an entry in ClinVar:

ClinVar aggregate classification (germline): Uncertain significance. Review status: criteria provided, multiple submitters, no conflicts (2 of 4 stars). 2 submissions from 2 submitters: Uncertain significance (2). Last evaluated 2025-04-17.

Conditions:
Inborn genetic diseases. Identifiers: MedGen C0950123, MeSH D030342.

Allele frequency attached by ClinVar (database versions not stated): ExAC 0.00004; ESP Exome Variant Server 0.00008.
gnomAD v4.1: 15 of 1,613,682 alleles (0.00093%); highest among the groups gnomAD compares: African/African-American, 0.019%; no homozygotes.

Submissions (2):

Ambry Genetics
Classification: Uncertain significance for Inborn genetic diseases. Last evaluated: 2025-04-17. Review status: criteria provided, single submitter. Criteria: Ambry Variant Classification Scheme 2023. Collection method: clinical testing. Allele origin: germline.

Labcorp Genetics (formerly Invitae), Labcorp
Classification: Uncertain significance. Last evaluated: 2022-12-07. Review status: criteria provided, single submitter. Criteria: Invitae Variant Classification Sherloc (09022015). Collection method: clinical testing. Allele origin: germline.
Comment: This variant has not been reported in the literature in individuals affected with HTRA1-related conditions. This variant is present in population databases (rs369288715, gnomAD 0.03%). This sequence change replaces valine, which is neutral and non-polar, with isoleucine, which is neutral and non-polar, at codon 280 of the HTRA1 protein (p.Val280Ile). Advanced modeling of protein sequence and biophysical properties (such as structural, functional, and spatial information, amino acid conservation, physicochemical variation, residue mobility, and thermodynamic stability) performed at Invitae indicates that this missense variant is not expected to disrupt HTRA1 protein function. In summary, the available evidence is currently insufficient to determine the role of this variant in disease. Therefore, it has been classified as a Variant of Uncertain Significance.

NM_002775.5(HTRA1):c.838G>A (p.Val280Ile)

Gene: HTRA1 (HtrA serine peptidase 1; plus strand). Cytogenetic location: 10q26.13.
Variant type: single nucleotide variant.
Coding change: c.838G>A on transcript NM_002775.5 (MANE Select); coding-DNA position 838, G replaced by A.
Protein change: p.Val280Ile; replaces valine 280 with isoleucine.
Molecular consequence: missense variant.
Genome position (GRCh38, 1-based): chr10:122,506,751, G>A. VCF-style: chr10-122506751-G-A. GRCh37 (hg19) VCF-style: chr10-124266267-G-A.
Other names: c.838G>A (NM_002775.4); short protein forms V280I.
Identifiers: ClinVar variation 3023090 (VCV003023090.4), dbSNP rs369288715, ClinGen allele CA5725945.
Genomic context (GRCh38, chr10:122,506,751, plus strand): 5'-GGCAAGCTGCCTGTCCTGCTGCTTGGCCGCTCCTCAGAGCTGCGGCCGGGAGAGTTCGTG[G>A]TCGCCATCGGAAGCCCGTTTTCCCTTCAAAACACAGTCACCACCGGGATCGTGAGCACCA-3'
Protein context (NP_002766.1, residues 270-290): SSELRPGEFV[Val280Ile]AIGSPFSLQN